The following is an entry in ClinVar:

ClinVar aggregate classification (germline): Uncertain significance. Review status: criteria provided, multiple submitters, no conflicts (2 of 4 stars). 3 submissions from 2 submitters: Uncertain significance (3). Last evaluated 2024-06-01.

Conditions:
Waardenburg syndrome. Also called: Waardenburg's syndrome. Identifiers: Orphanet 3440, MedGen C3266898, MONDO:0018094.
PCWH syndrome. Also called: WAARDENBURG-SHAH SYNDROME, NEUROLOGIC VARIANT. Identifiers: Orphanet 163746, MedGen C1836727, MONDO:0012198, OMIM 609136.

Allele frequency attached by ClinVar (database versions not stated): TOPMed 0.00002; ExAC 0.00003; 1000 Genomes Project 0.00020; gnomAD exomes 0.00001; gnomAD 0.00002 and 0.00003; 1000 Genomes Project 30x 0.00016.
gnomAD v4.1: 12 of 1,594,574 alleles (0.00075%); highest among the groups gnomAD compares: African/African-American, 0.0067%; no homozygotes.

Submissions (3):

CeGaT Center for Human Genetics Tuebingen
Classification: Uncertain significance. Last evaluated: 2024-06-01. Review status: criteria provided, single submitter. Criteria: CeGaT Center For Human Genetics Tuebingen Variant Classification Criteria Version 2. Collection method: clinical testing. Allele origin: germline. Affected: yes. Observed: 1 variant allele.
Comment: SOX10: PM2:Supporting, BP4

Illumina Laboratory Services, Illumina
Classification: Uncertain significance for Waardenburg syndrome. Last evaluated: 2018-01-12. Review status: criteria provided, single submitter. Criteria: ICSL Variant Classification Criteria 13 December 2019. Collection method: clinical testing. Allele origin: germline.

Illumina Laboratory Services, Illumina
Classification: Uncertain significance for PCWH syndrome. Last evaluated: 2018-01-12. Review status: criteria provided, single submitter. Criteria: ICSL Variant Classification Criteria 13 December 2019. Collection method: clinical testing. Allele origin: germline.

NM_006941.4(SOX10):c.1111G>A (p.Asp371Asn)

Genes: POLR2F (RNA polymerase II, I and III subunit F; plus strand), SOX10 (SRY-box transcription factor 10; minus strand). Cytogenetic location: 22q13.1.
Variant type: single nucleotide variant.
Coding change: c.1111G>A on transcript NM_006941.4 (MANE Select); coding-DNA position 1111, G replaced by A.
Protein change: p.Asp371Asn; replaces aspartic acid 371 with asparagine.
Molecular consequence: missense variant. On other transcripts: intron variant (3).
Genome position (GRCh38, 1-based): chr22:37,973,785, C>T on the plus strand (G>A on the coding strand, the complement: SOX10 is on the minus strand). VCF-style: chr22-37973785-C-T. GRCh37 (hg19) VCF-style: chr22-38369792-C-T.
Other names: c.*38+1475C>T (NM_001363825.1); c.293+6615C>T (NM_001301130.2, NM_001301131.2); short protein forms D371N.
Identifiers: ClinVar variation 902432 (VCV000902432.23), dbSNP rs551334981, ClinGen allele CA10228523.